The following is an entry in ClinVar:

ClinVar aggregate classification (germline): Conflicting classifications of pathogenicity. Review status: criteria provided, conflicting classifications (1 of 4 stars). 3 submissions from 3 submitters: Uncertain significance (2); Benign (1). Last evaluated 2026-01-28.

Conditions:
Hereditary cancer-predisposing syndrome. Also called: Tumor predisposition; Hereditary Cancer Syndrome; Hereditary neoplastic syndrome; Neoplastic Syndromes, Hereditary. Identifiers: Orphanet 140162, MedGen C0027672, MeSH D009386, MONDO:0015356.
Tuberous sclerosis 2 (TSC2). Identifiers: Orphanet 805, MedGen C1860707, MONDO:0013199, OMIM 613254.

Allele frequency attached by ClinVar (database versions not stated): ExAC 0.00001.
gnomAD v4.1: 3 of 1,598,674 alleles (0.00019%); highest among the groups gnomAD compares: South Asian, 0.0022%; no homozygotes.

Submissions (3):

Labcorp Genetics (formerly Invitae), Labcorp
Classification: Benign for Tuberous sclerosis 2. Last evaluated: 2026-01-28. Review status: criteria provided, single submitter. Criteria: Invitae Variant Classification Sherloc (09022015). Collection method: clinical testing. Allele origin: germline.

Ambry Genetics
Classification: Uncertain significance for Hereditary cancer-predisposing syndrome. Last evaluated: 2024-01-23. Review status: criteria provided, single submitter. Criteria: Ambry Variant Classification Scheme 2023. Collection method: clinical testing. Allele origin: germline.
Comment: The p.P1732S variant (also known as c.5194C>T), located in coding exon 40 of the TSC2 gene, results from a C to T substitution at nucleotide position 5194. The proline at codon 1732 is replaced by serine, an amino acid with similar properties. This amino acid position is highly conserved in available vertebrate species. In addition, the in silico prediction for this alteration is inconclusive. Based on the available evidence, the clinical significance of this alteration remains unclear.

Blueprint Genetics
Classification: Uncertain significance. Last evaluated: 2023-02-17. Review status: criteria provided, single submitter. Criteria: ACMG Guidelines, 2015. Collection method: clinical testing. Allele origin: germline.

NM_000548.5(TSC2):c.5194C>T (p.Pro1732Ser)

Gene: TSC2 (TSC complex subunit 2; plus strand). Cytogenetic location: 16p13.3.
Variant type: single nucleotide variant.
Coding change: c.5194C>T on transcript NM_000548.5 (MANE Select); coding-DNA position 5194, C replaced by T.
Protein change: p.Pro1732Ser; replaces proline 1732 with serine.
Molecular consequence: missense variant. On other transcripts: non-coding transcript variant (5).
Genome position (GRCh38, 1-based): chr16:2,088,260, C>T. VCF-style: chr16-2088260-C-T. GRCh37 (hg19) VCF-style: chr16-2138261-C-T.
Other names: c.4525C>T, p.Pro1509Ser (NM_001406682.1, NM_001406683.1); c.4522C>T, p.Pro1508Ser (NM_001406684.1); c.4396C>T, p.Pro1466Ser (NM_001406685.1, NM_001406686.1); c.4393C>T, p.Pro1465Ser (NM_001406687.1, NM_001406688.1); c.3781C>T, p.Pro1261Ser (NM_001406689.1); c.3721C>T, p.Pro1241Ser (NM_001406690.1); c.3718C>T, p.Pro1240Ser (NM_001406691.1); c.3652C>T, p.Pro1218Ser (NM_001406692.1, NM_001406693.1, NM_001406694.1); and 27 more; short protein forms P1131S, P1217S, P1218S, P1240S, P1241S, P1261S, P1465S, P1466S.
Identifiers: ClinVar variation 3232186 (VCV003232186.3), dbSNP rs759007975, ClinGen allele CA054379.